The following is an entry in ClinVar:

NM_021076.4(NEFH):c.3023del (p.Pro1008fs)

Gene: NEFH (neurofilament heavy chain; plus strand). Cytogenetic location: 22q12.2.
Variant type: Deletion.
Coding change: c.3023del on transcript NM_021076.4 (MANE Select); coding-DNA position 3023, one base deleted (C; older notation c.3023delC).
Protein change: p.Pro1008fs; shifts the reading frame from proline 1008.
Molecular consequence: frameshift variant.
Genome position (GRCh38, 1-based): chr22:29,490,663, C deleted; the last of 2 consecutive C bases (chr22:29,490,662-29,490,663); deleting either gives the same sequence. VCF-style (leftmost placement, unchanged base first): chr22-29490661-TC-T. GRCh37 (hg19) VCF-style: chr22-29886650-TC-T.
Other names: short protein forms P1008fs.
Identifiers: ClinVar variation 4695666 (VCV004695666.1).

ClinVar aggregate classification (germline): Uncertain significance (1 of 4 stars; one submission).

Submission:

Labcorp Genetics (formerly Invitae), Labcorp
Classification: Uncertain significance. Last evaluated: 2025-09-20. Review status: criteria provided, single submitter. Criteria: Invitae Variant Classification Sherloc (09022015). Collection method: clinical testing. Allele origin: germline.
Comment: This sequence change is expected to alter the c-terminus of the NEFH protein (p.Pro1008Glnfs*48). While this is not anticipated to result in nonsense mediated decay, it is expected to disrupt the last 13 amino acid(s) of the NEFH protein and extend the protein by 34 additional amino acid residues. This variant is present in population databases (rs754817483, gnomAD 0.003%). This variant has not been reported in the literature in individuals affected with NEFH-related conditions. Experimental studies and prediction algorithms are not available or were not evaluated, and the functional significance of this variant is currently unknown. In summary, the available evidence is currently insufficient to determine the role of this variant in disease. Therefore, it has been classified as a Variant of Uncertain Significance.